The following is an entry in ClinVar:

ClinVar aggregate classification (germline): Likely benign (1 of 4 stars; one submission).

Allele frequency attached by ClinVar (database versions not stated): ExAC below 0.00001; gnomAD 0.00001; gnomAD exomes 0.00001; TOPMed 0.00001.
gnomAD v4.1: 9 of 1,202,236 alleles (0.00075%); highest among the groups gnomAD compares: Non-Finnish European, 0.001%; no homozygotes.

Submission:

GeneDx
Classification: Likely benign. Last evaluated: 2018-05-16. Review status: criteria provided, single submitter. Criteria: GeneDx Variant Classification (06012015). Collection method: clinical testing. Allele origin: germline. Affected: yes.
Comment: This variant is considered likely benign or benign based on one or more of the following criteria: it is a conservative change, it occurs at a poorly conserved position in the protein, it is predicted to be benign by multiple in silico algorithms, and/or has population frequency not consistent with disease.

NM_004208.4(AIFM1):c.1771-9C>T

Genes: AIFM1 (apoptosis inducing factor mitochondria associated 1; minus strand), RAB33A (RAB33A, member RAS oncogene family; plus strand). Cytogenetic location: Xq26.1.
Variant type: single nucleotide variant.
Coding change: c.1771-9C>T on transcript NM_004208.4 (MANE Select); 9 bases into the intron before coding-DNA position 1771, C replaced by T.
Molecular consequence: intron variant.
Genome position (GRCh38, 1-based): chrX:130,129,637, G>A on the plus strand (C>T on the coding strand, the complement: AIFM1 is on the minus strand). VCF-style: chrX-130129637-G-A. GRCh37 (hg19) VCF-style: chrX-129263612-G-A.
Other names: c.1759-9C>T (NM_145812.3); c.*999-9C>T (NM_001130847.4); c.754-9C>T (NM_001130846.4).
Identifiers: ClinVar variation 682548 (VCV000682548.1), dbSNP rs771572453, ClinGen allele CA10515211.